The following is an entry in ClinVar:

ClinVar aggregate classification (germline): Uncertain significance (1 of 4 stars; one submission).

Allele frequency attached by ClinVar (database versions not stated): gnomAD exomes below 0.00001; TOPMed below 0.00001.
gnomAD v4.1: 4 of 1,597,728 alleles (0.00025%); highest among the groups gnomAD compares: Admixed American, 0.0051%; no homozygotes.

Submission:

Labcorp Genetics (formerly Invitae), Labcorp
Classification: Uncertain significance. Last evaluated: 2023-12-27. Review status: criteria provided, single submitter. Criteria: Invitae Variant Classification Sherloc (09022015). Collection method: clinical testing. Allele origin: germline.
Comment: This sequence change replaces methionine, which is neutral and non-polar, with valine, which is neutral and non-polar, at codon 776 of the ITSN2 protein (p.Met776Val). This variant is present in population databases (rs762475726, gnomAD 0.006%). This variant has not been reported in the literature in individuals affected with ITSN2-related conditions. Experimental studies and prediction algorithms are not available or were not evaluated, and the functional significance of this variant is currently unknown. Algorithms developed to predict the effect of sequence changes on RNA splicing suggest that this variant may disrupt the consensus splice site. In summary, the available evidence is currently insufficient to determine the role of this variant in disease. Therefore, it has been classified as a Variant of Uncertain Significance.

NM_006277.3(ITSN2):c.2326A>G (p.Met776Val)

Gene: ITSN2 (intersectin 2; minus strand). Cytogenetic location: 2p23.3.
Variant type: single nucleotide variant.
Coding change: c.2326A>G on transcript NM_006277.3 (MANE Select); coding-DNA position 2326, A replaced by G.
Protein change: p.Met776Val; replaces methionine 776 with valine.
Molecular consequence: missense variant.
Genome position (GRCh38, 1-based): chr2:24,270,700, T>C on the plus strand (A>G on the coding strand, the complement: ITSN2 is on the minus strand). VCF-style: chr2-24270700-T-C. GRCh37 (hg19) VCF-style: chr2-24493569-T-C.
Other names: c.2284A>G, p.Met762Val (NM_001348181.2); c.2206A>G, p.Met736Val (NM_001348182.2, NM_001348186.2); c.2245A>G, p.Met749Val (NM_001348183.2, NM_019595.4); c.2203A>G, p.Met735Val (NM_001348184.2); c.2287A>G, p.Met763Val (NM_001348185.2); c.2326A>G, p.Met776Val (NM_147152.3); short protein forms M776V, M735V, M762V, M763V, M736V, M749V.
Identifiers: ClinVar variation 2780583 (VCV002780583.3), dbSNP rs762475726, ClinGen allele CA1551214.
Genomic context (GRCh38, chr2:24,270,700, plus strand): 5'-TTCATGATTAAAAAAAAAATTCATTTCCTACCTGAATTATATCTCCAGAATTAAAACTCA[T>C]CTCATCATGGTTCCTTGCTTCAAAGGGGTATAATGCTCTATAATTCACCAAAACACTAGC-3'
Protein context (NP_006268.2, residues 766-786): YPFEARNHDE[Met776Val]SFNSGDIIQV